The following is an entry in ClinVar:

NM_020436.5(SALL4):c.2283C>A (p.Asn761Lys)

Gene: SALL4 (spalt like transcription factor 4; minus strand). Cytogenetic location: 20q13.2.
Variant type: single nucleotide variant.
Coding change: c.2283C>A on transcript NM_020436.5 (MANE Select); coding-DNA position 2283, C replaced by A.
Protein change: p.Asn761Lys; replaces asparagine 761 with lysine.
Molecular consequence: missense variant. On other transcripts: intron variant (1).
Genome position (GRCh38, 1-based): chr20:51,790,200, G>T on the plus strand (C>A on the coding strand, the complement: SALL4 is on the minus strand). VCF-style: chr20-51790200-G-T. GRCh37 (hg19) VCF-style: chr20-50406739-G-T.
Other names: c.1151-1059C>A (NM_001318031.2); short protein forms N761K.
Identifiers: ClinVar variation 3587340 (VCV003587340.3).
Genomic context (GRCh38, chr20:51,790,200, plus strand): 5'-TTCCAGGATATCTGGGCTTCGGCTCTGATACTCCTGGTCTCCCATCAGCGAGGATGAGTC[G>T]TTGGTCAAGCCATCGCTCTCCACGGAACCGTTTTCTCTGCTGCCCTGGCGCTGCAGGTTA-3'
Protein context (NP_065169.1, residues 751-771): NGSVESDGLT[Asn761Lys]DSSSLMGDQE

ClinVar aggregate classification (germline): Uncertain significance. Review status: criteria provided, multiple submitters, no conflicts (2 of 4 stars). 2 submissions from 2 submitters: Uncertain significance (2). Last evaluated 2024-09-03.

Conditions:
Oculootoradial syndrome (IVIC). Also called: RADIAL RAY DEFECTS, HEARING IMPAIRMENT, EXTERNAL OPHTHALMOPLEGIA, AND THROMBOCYTOPENIA; IVIC syndrome. Identifiers: Orphanet 2307, MedGen C1327918, MONDO:0007836, OMIM 147750.
Duane-radial ray syndrome (DRRS). Also called: ACRORENOOCULAR SYNDROME; DR SYNDROME; DUANE ANOMALY WITH RADIAL RAY ABNORMALITIES AND DEAFNESS; Duane-Radial Ray Syndrome (DRRS) / Okihiro Syndrome; Okihiro Syndrome; Duane-Radial Ray Syndrome/Okihiro Syndrome. Identifiers: Orphanet 93293, Orphanet 959, MedGen C1623209, MONDO:0011812, OMIM 607323. Disease mechanism: gain of function.

gnomAD v4.1: 6 of 1,613,978 alleles (0.00037%); highest among the groups gnomAD compares: Admixed American, 0.005%; no homozygotes.

Submissions (2):

Labcorp Genetics (formerly Invitae), Labcorp
Classification: Uncertain significance for Duane-radial ray syndrome. Last evaluated: 2024-09-03. Review status: criteria provided, single submitter. Criteria: Invitae Variant Classification Sherloc (09022015). Collection method: clinical testing. Allele origin: germline.
Comment: This sequence change replaces asparagine, which is neutral and polar, with lysine, which is basic and polar, at codon 761 of the SALL4 protein (p.Asn761Lys). This variant is present in population databases (rs372756084, gnomAD 0.006%). This variant has not been reported in the literature in individuals affected with SALL4-related conditions. An algorithm developed to predict the effect of missense changes on protein structure and function (PolyPhen-2) suggests that this variant is likely to be tolerated. In summary, the available evidence is currently insufficient to determine the role of this variant in disease. Therefore, it has been classified as a Variant of Uncertain Significance.

Fulgent Genetics
Classification: Uncertain significance for Oculootoradial syndrome; Duane-radial ray syndrome. Last evaluated: 2024-06-13. Review status: criteria provided, single submitter. Criteria: ACMG Guidelines, 2015. Collection method: clinical testing. Allele origin: germline.